The following is an entry in ClinVar:

NC_000013.11:g.32376664T>A

Gene: BRCA2 (BRCA2 DNA repair associated; plus strand). Cytogenetic location: 13q13.1.
Variant type: single nucleotide variant.
Genome position: GRCh38 VCF-style: chr13-32376664-T-A. GRCh37 (hg19) VCF-style: chr13-32950801-T-A.
Other names: IVS20-6T>A; c.8633-6T>A (LRG_293t1, NM_000059.4).
Identifiers: ClinVar variation 38174 (VCV000038174.11), dbSNP rs397507408, ClinGen allele CA025752.

ClinVar aggregate classification (germline): Likely benign. Review status: criteria provided, multiple submitters, no conflicts (2 of 4 stars). 6 submissions from 6 submitters: Likely benign (5). 1 of the submissions does not count toward it. Last evaluated 2026-03-26.

Conditions:
BRCA2-related cancer predisposition. Identifiers: MedGen CN377758, MONDO:0700269.
Hereditary cancer-predisposing syndrome. Also called: Hereditary neoplastic syndrome; Neoplastic Syndromes, Hereditary; Hereditary Cancer Syndrome; Tumor predisposition. Identifiers: Orphanet 140162, MedGen C0027672, MeSH D009386, MONDO:0015356.
Hereditary breast ovarian cancer syndrome. Also called: Hereditary breast and ovarian cancer syndrome (HBOC); Breast and ovarian cancer; Hereditary breast and ovarian cancer syndrome; BRCA1- and BRCA2-Associated Hereditary Breast and Ovarian Cancer; Hereditary breast and/or ovarian cancer syndrome; Hereditary breast and ovarian cancer. Identifiers: Orphanet 145, MedGen C0677776, MeSH D061325, MONDO:0003582. Disease mechanism: loss of function.
Breast-ovarian cancer, familial, susceptibility to, 2 (BROVCA2). Also called: BRCA2 Hereditary Breast and Ovarian Cancer. Identifiers: Orphanet 145, MedGen C2675520, MONDO:0012933, OMIM 612555. Disease mechanism: loss of function.

Allele frequency attached by ClinVar (database versions not stated): gnomAD exomes below 0.00001; TOPMed below 0.00001; gnomAD 0.00002.
gnomAD v4.1: 3 of 1,613,884 alleles (0.00019%); highest among the groups gnomAD compares: African/African-American, 0.004%; no homozygotes.

Submissions (6):

Women's Health and Genetics/Laboratory Corporation of America, LabCorp
Classification: Likely benign. Last evaluated: 2026-03-26. Review status: criteria provided, single submitter. Criteria: LabCorp Variant Classification Summary - May 2015. Collection method: clinical testing. Allele origin: germline.
Comment: Variant summary: BRCA2 c.8633-6T>A alters a non-conserved nucleotide located at a position not widely known to affect splicing. Consensus agreement among computation tools predict no significant impact on normal splicing. However, these predictions have yet to be confirmed by functional studies. The variant allele was found at a frequency of 4e-06 in 251070 control chromosomes. The available data on variant occurrences in the general population are insufficient to allow any conclusion about variant significance. c.8633-6T>A has been observed in at least two individuals affected with breast cancer, without strong evidence of causality (example: Tung_2015, Al Amri_2024). These reports do not provide unequivocal conclusions about association of the variant with Hereditary Breast And Ovarian Cancer Syndrome. To our knowledge, no experimental evidence demonstrating an impact on protein function has been reported. The following publications have been ascertained in the context of this evaluation (PMID: 39187384, 25186627). ClinVar contains an entry for this variant (Variation ID: 38174). Based on the evidence outlined above, the variant was classified as likely benign.

Labcorp Genetics (formerly Invitae), Labcorp
Classification: Likely benign for Hereditary breast ovarian cancer syndrome. Last evaluated: 2025-08-07. Review status: criteria provided, single submitter. Criteria: Invitae Variant Classification Sherloc (09022015). Collection method: clinical testing. Allele origin: germline.

Myriad Genetics, Inc.
Classification: Likely benign for Breast-ovarian cancer, familial, susceptibility to, 2. Last evaluated: 2025-06-04. Review status: criteria provided, single submitter. Criteria: Myriad Autosomal Dominant, Autosomal Recessive and X-Linked Classification Criteria (2023). Collection method: clinical testing. Allele origin: unknown.
Comment: This variant is considered likely benign. This variant is intronic and is not expected to impact mRNA splicing. This variant is strongly associated with less severe personal and family histories of cancer, typical for individuals without pathogenic variants in this gene [PMID: 25085752].

All of Us Research Program, National Institutes of Health
Classification: Likely benign for BRCA2-related cancer predisposition. Last evaluated: 2024-06-17. Review status: criteria provided, single submitter. Criteria: ACMG Guidelines, 2015. Collection method: clinical testing. Allele origin: germline. Inheritance: Autosomal dominant inheritance. Observed: 1 variant allele, 1 heterozygote.
Comment: This study involves interpretation of variants in research participants for the purpose of population health screening. Participant phenotype was not available at the time of variant classification. Additional details can be found in publication PMID: 35346344, PMCID: PMC8962531

Color Diagnostics, LLC DBA Color Health
Classification: Likely benign for Hereditary cancer-predisposing syndrome. Last evaluated: 2024-04-23. Review status: criteria provided, single submitter. Criteria: ACMG Guidelines, 2015. Collection method: clinical testing. Allele origin: germline.

Sharing Clinical Reports Project (SCRP)
Classification: Uncertain significance for Breast-ovarian cancer, familial 2. Last evaluated: 2011-10-20. Review status: no assertion criteria provided. Collection method: clinical testing. Allele origin: germline. Not counted in ClinVar's aggregate classification.

Literature cited by the submitters: PubMed 25186627 (cited by Women's Health and Genetics/Laboratory Corporation of America, LabCorp); PubMed 39187384 (cited by Women's Health and Genetics/Laboratory Corporation of America, LabCorp); PubMed 25085752 (cited by Myriad Genetics, Inc.).